The following is an entry in ClinVar:

ClinVar aggregate classification (germline): Uncertain significance (1 of 4 stars; one submission).

Allele frequency attached by ClinVar (database versions not stated): gnomAD exomes below 0.00001; gnomAD 0.00003; TOPMed 0.00004.
gnomAD v4.1: 5 of 1,613,922 alleles (0.00031%); highest among the groups gnomAD compares: African/African-American, 0.0067%; no homozygotes.

Submission:

Labcorp Genetics (formerly Invitae), Labcorp
Classification: Uncertain significance. Last evaluated: 2022-09-13. Review status: criteria provided, single submitter. Criteria: Invitae Variant Classification Sherloc (09022015). Collection method: clinical testing. Allele origin: germline.
Comment: In summary, the available evidence is currently insufficient to determine the role of this variant in disease. Therefore, it has been classified as a Variant of Uncertain Significance. Advanced modeling of protein sequence and biophysical properties (such as structural, functional, and spatial information, amino acid conservation, physicochemical variation, residue mobility, and thermodynamic stability) performed at Invitae indicates that this missense variant is not expected to disrupt NALCN protein function. This variant has not been reported in the literature in individuals affected with NALCN-related conditions. This variant is present in population databases (no rsID available, gnomAD 0.01%). This sequence change replaces phenylalanine, which is neutral and non-polar, with leucine, which is neutral and non-polar, at codon 80 of the NALCN protein (p.Phe80Leu).

NM_052867.4(NALCN):c.240T>G (p.Phe80Leu)

Gene: NALCN (sodium leak channel, non-selective; minus strand). Cytogenetic location: 13q33.1.
Variant type: single nucleotide variant.
Coding change: c.240T>G on transcript NM_052867.4 (MANE Select); coding-DNA position 240, T replaced by G.
Protein change: p.Phe80Leu; replaces phenylalanine 80 with leucine.
Molecular consequence: missense variant.
Genome position (GRCh38, 1-based): chr13:101,395,234, A>C on the plus strand (T>G on the coding strand, the complement: NALCN is on the minus strand). VCF-style: chr13-101395234-A-C. GRCh37 (hg19) VCF-style: chr13-102047585-A-C.
Other names: c.240T>G, p.Phe80Leu (NM_001350748.2, NM_001350749.2, NM_001350750.2 and 1 more transcripts); short protein forms F80L.
Identifiers: ClinVar variation 1942603 (VCV001942603.5), dbSNP rs1268888874, ClinGen allele CA388706884.
Genomic context (GRCh38, chr13:101,395,234, plus strand): 5'-AGTGCTCACCTTGACAATGCCCCGGATGTGCATTTTTGCTATCATCTCTGCCGTGTAGAG[A>C]AACATCAATAATGTATCCAAAGTGAAGGTCACATACTGAAGTGGAGGATAGTGCTCGAAG-3'
Protein context (NP_443099.1, residues 70-90): VTFTLDTLLM[Phe80Leu]LYTAEMIAKM